The following is an entry in ClinVar:

ClinVar aggregate classification (germline): Uncertain significance (1 of 4 stars; one submission).

Allele frequency attached by ClinVar (database versions not stated): ExAC 0.00001; TOPMed 0.00004; gnomAD 0.00005; ESP Exome Variant Server 0.00015.
gnomAD v4.1: 97 of 1,614,124 alleles (0.006%); highest among the groups gnomAD compares: Non-Finnish European, 0.0076%; 1 homozygote.

Submission:

Labcorp Genetics (formerly Invitae), Labcorp
Classification: Uncertain significance. Last evaluated: 2022-09-07. Review status: criteria provided, single submitter. Criteria: Invitae Variant Classification Sherloc (09022015). Collection method: clinical testing. Allele origin: germline.
Comment: This sequence change replaces proline, which is neutral and non-polar, with leucine, which is neutral and non-polar, at codon 417 of the SLC30A10 protein (p.Pro417Leu). This variant is present in population databases (rs377640108, gnomAD 0.009%), including at least one homozygous and/or hemizygous individual. This variant has not been reported in the literature in individuals affected with SLC30A10-related conditions. Algorithms developed to predict the effect of missense changes on protein structure and function are either unavailable or do not agree on the potential impact of this missense change (SIFT: "Tolerated"; PolyPhen-2: "Possibly Damaging"; Align-GVGD: "Class C0"). In summary, the available evidence is currently insufficient to determine the role of this variant in disease. Therefore, it has been classified as a Variant of Uncertain Significance.

NM_018713.3(SLC30A10):c.1250C>T (p.Pro417Leu)

Gene: SLC30A10 (solute carrier family 30 member 10; minus strand). Cytogenetic location: 1q41.
Variant type: single nucleotide variant.
Coding change: c.1250C>T on transcript NM_018713.3 (MANE Select); coding-DNA position 1250, C replaced by T.
Protein change: p.Pro417Leu; replaces proline 417 with leucine.
Molecular consequence: missense variant. On other transcripts: non-coding transcript variant (2).
Genome position (GRCh38, 1-based): chr1:219,915,657, G>A on the plus strand (C>T on the coding strand, the complement: SLC30A10 is on the minus strand). VCF-style: chr1-219915657-G-A. GRCh37 (hg19) VCF-style: chr1-220088999-G-A.
Other names: c.1061C>T, p.Pro354Leu (NM_001376929.1); c.575C>T, p.Pro192Leu (NM_001416004.1, NM_001416005.1); short protein forms P192L, P417L, P354L.
Identifiers: ClinVar variation 2085709 (VCV002085709.1), dbSNP rs377640108, ClinGen allele CA1399148.
Genomic context (GRCh38, chr1:219,915,657, plus strand): 5'-AGAGAGGGCCCACCATTGTGCTCAGCACAGCCATTGACGTGAGCCAGAGGCAGTGCCCCG[G>A]GGGGACAACACAGCTGCTTAGCACAGCCCTTGGAGATGCAGGGTGAGTTGCAGAGCAACA-3'
Protein context (NP_061183.2, residues 407-427): KGCAKQLCCP[Pro417Leu]GALPLAHVNG